The following is an entry in ClinVar:

ClinVar aggregate classification (germline): Benign/Likely benign. Review status: criteria provided, multiple submitters, no conflicts (2 of 4 stars). 3 submissions from 3 submitters: Benign (1); Likely benign (2). Last evaluated 2026-01-29.

Allele frequency attached by ClinVar (database versions not stated): 1000 Genomes Project 30x 0.00031; 1000 Genomes Project 0.00040; TOPMed 0.00089; ESP Exome Variant Server 0.00131; gnomAD 0.00169 and 0.00176; gnomAD exomes 0.00179; ExAC 0.00193.
gnomAD v4.1: 2,798 of 1,591,892 alleles (0.18%); highest among the groups gnomAD compares: Non-Finnish European, 0.19%; 13 homozygotes.

Submissions (3):

Labcorp Genetics (formerly Invitae), Labcorp
Classification: Benign. Last evaluated: 2026-01-29. Review status: criteria provided, single submitter. Criteria: Invitae Variant Classification Sherloc (09022015). Collection method: clinical testing. Allele origin: germline.

CeGaT Center for Human Genetics Tuebingen
Classification: Likely benign. Last evaluated: 2025-03-01. Review status: criteria provided, single submitter. Criteria: CeGaT Center For Human Genetics Tuebingen Variant Classification Criteria Version 2. Collection method: clinical testing. Allele origin: germline. Affected: yes. Observed: 4 variant alleles.
Comment: TRIP4: BP4, BP7

GeneDx
Classification: Likely benign. Last evaluated: 2021-08-31. Review status: criteria provided, single submitter. Criteria: GeneDx Variant Classification Process June 2021. Collection method: clinical testing. Allele origin: germline. Affected: yes.

NM_016213.5(TRIP4):c.258C>T (p.Cys86=)

Gene: TRIP4 (thyroid hormone receptor interactor 4; plus strand). Cytogenetic location: 15q22.31.
Variant type: single nucleotide variant.
Coding change: c.258C>T on transcript NM_016213.5 (MANE Select); coding-DNA position 258, C replaced by T.
Protein change: p.Cys86=; no amino-acid change (cysteine 86 retained).
Molecular consequence: synonymous variant. On other transcripts: 5 prime UTR variant (1), non-coding transcript variant (1).
Genome position (GRCh38, 1-based): chr15:64,394,102, C>T. VCF-style: chr15-64394102-C-T. GRCh37 (hg19) VCF-style: chr15-64686301-C-T.
Other names: c.-433C>T (NM_001321924.2).
Identifiers: ClinVar variation 710472 (VCV000710472.37), dbSNP rs150827497, ClinGen allele CA7609312.